The following is an entry in ClinVar:

ClinVar aggregate classification (germline): Likely benign. Review status: criteria provided, single submitter (1 of 4 stars). 2 submissions from 2 submitters: Likely benign (1). 1 of the submissions does not count toward it. Last evaluated 2024-11-13.

Conditions:
TMPRSS6-related disorder. Also called: TMPRSS6-related condition.

Allele frequency attached by ClinVar (database versions not stated): ExAC 0.00297; 1000 Genomes Project 0.00919; 1000 Genomes Project 30x 0.01093; ESP Exome Variant Server 0.01134; TOPMed 0.01142.
gnomAD v4.1: 2,288 of 779,672 alleles (0.29%); highest among the groups gnomAD compares: African/African-American, 3.5%; 29 homozygotes.

Submissions (2):

Blueprint Genetics
Classification: Likely benign. Last evaluated: 2024-11-13. Review status: criteria provided, single submitter. Criteria: ACMG Guidelines, 2015. Collection method: clinical testing. Allele origin: germline.

PreventionGenetics, part of Exact Sciences
Classification: Benign for TMPRSS6-related condition. Last evaluated: 2020-01-02. Review status: no assertion criteria provided. Collection method: clinical testing. Allele origin: germline. Not counted in ClinVar's aggregate classification.
Comment: This variant is classified as benign based on ACMG/AMP sequence variant interpretation guidelines (Richards et al. 2015 PMID: 25741868, with internal and published modifications).

NM_001374504.1(TMPRSS6):c.2113+458G>C

Gene: TMPRSS6 (transmembrane serine protease 6; minus strand). Cytogenetic location: 22q12.3.
Variant type: single nucleotide variant.
Coding change: c.2113+458G>C on transcript NM_001374504.1 (MANE Select); 458 bases into the intron after coding-DNA position 2113, G replaced by C.
Molecular consequence: intron variant. On other transcripts: splice donor variant (1).
Genome position (GRCh38, 1-based): chr22:37,068,615, C>G on the plus strand (G>C on the coding strand, the complement: TMPRSS6 is on the minus strand). VCF-style: chr22-37068615-C-G. GRCh37 (hg19) VCF-style: chr22-37464655-C-G.
Other names: c.2179+1G>C (NM_001289000.2); c.2113+458G>C (NM_001289001.2, NM_153609.4).
Identifiers: ClinVar variation 3038088 (VCV003038088.3), dbSNP rs80252000, ClinGen allele CA10215347.